The following is an entry in ClinVar:

NC_000006.11:g.(?_129633986)_(129637336_?)del

Gene: LAMA2 (laminin subunit alpha 2; plus strand). Cytogenetic location: 6q22.33.
Variant type: Deletion.
Identifiers: ClinVar variation 3246058 (VCV003246058.1).

ClinVar aggregate classification (germline): Pathogenic (1 of 4 stars; one submission).

Conditions:
LAMA2-related muscular dystrophy (LAMA2-RD). Also called: Laminin alpha 2-related dystrophy. Identifiers: MedGen C5679788, MONDO:0100228.

Submission:

Labcorp Genetics (formerly Invitae), Labcorp
Classification: Pathogenic for LAMA2-related muscular dystrophy. Last evaluated: 2023-12-30. Review status: criteria provided, single submitter. Criteria: Invitae Variant Classification Sherloc (09022015). Collection method: clinical testing. Allele origin: unknown.
Comment: This variant is a gross deletion of the genomic region encompassing exon(s) 23-27 of the LAMA2 gene. This deletion is out-of-frame, and is expected to create a premature termination codon and result in an absent or disrupted protein product. Loss-of-function variants in LAMA2 are known to be pathogenic (PMID: 18700894, 32904964). This variant has not been reported in the literature in individuals affected with LAMA2-related conditions. For these reasons, this variant has been classified as Pathogenic.

Literature cited by the submitters: PubMed 18700894; PubMed 32904964.